The following is an entry in ClinVar:

ClinVar aggregate classification (germline): Uncertain significance (1 of 4 stars; one submission).

Conditions:
POLD1-related polyposis and colorectal cancer syndrome (CRCS10). Also called: Colorectal cancer 10; COLORECTAL CANCER, SUSCEPTIBILITY TO, ON CHROMOSOME 19q; Colorectal cancer, susceptibility to, 10. Identifiers: Orphanet 220460, MedGen C2675481, MONDO:0012953, OMIM 612591.

Submission:

Labcorp Genetics (formerly Invitae), Labcorp
Classification: Uncertain significance for POLD1-related polyposis and colorectal cancer syndrome. Last evaluated: 2025-08-25. Review status: criteria provided, single submitter. Criteria: Invitae Variant Classification Sherloc (09022015). Collection method: clinical testing. Allele origin: germline.
Comment: This sequence change replaces glycine, which is neutral and non-polar, with glutamic acid, which is acidic and polar, at codon 500 of the POLD1 protein (p.Gly500Glu). This variant is not present in population databases (gnomAD no frequency). This variant has not been reported in the literature in individuals affected with POLD1-related conditions. ClinVar contains an entry for this variant (Variation ID: 853837). Invitae Evidence Modeling of protein sequence and biophysical properties (such as structural, functional, and spatial information, amino acid conservation, physicochemical variation, residue mobility, and thermodynamic stability) indicates that this missense variant is not expected to disrupt POLD1 protein function with a negative predictive value of 80%. In summary, the available evidence is currently insufficient to determine the role of this variant in disease. Therefore, it has been classified as a Variant of Uncertain Significance.

NM_002691.4(POLD1):c.1499G>A (p.Gly500Glu)

Gene: POLD1 (DNA polymerase delta 1, catalytic subunit; plus strand). Cytogenetic location: 19q13.33.
Variant type: single nucleotide variant.
Coding change: c.1499G>A on transcript NM_002691.4 (MANE Select); coding-DNA position 1499, G replaced by A.
Protein change: p.Gly500Glu; replaces glycine 500 with glutamic acid.
Molecular consequence: missense variant. On other transcripts: non-coding transcript variant (1).
Genome position (GRCh38, 1-based): chr19:50,406,987, G>A. VCF-style: chr19-50406987-G-A. GRCh37 (hg19) VCF-style: chr19-50910244-G-A.
Other names: c.1499G>A, p.Gly500Glu (NM_001256849.1, NM_001308632.1); short protein forms G500E.
Identifiers: ClinVar variation 853837 (VCV000853837.9), dbSNP rs2038910972, ClinGen allele CA406980750.
Genomic context (GRCh38, chr19:50,406,987, plus strand): 5'-GCTCCACCTCCCACCCCCAACCCCTGGTCCCTGACCCCATCCGTGCCCATCCCCAGAATG[G>A]GAACGACCAGACCCGCCGCCGCCTGGCTGTGTACTGCCTGAAGGATGCCTACCTGCCACT-3'
Protein context (NP_002682.2, residues 490-510): QHSIITDLQN[Gly500Glu]NDQTRRRLAV